The following is an entry in ClinVar:

NM_005751.5(AKAP9):c.7700A>T (p.Tyr2567Phe)

Gene: AKAP9 (A-kinase anchoring protein 9; plus strand). Cytogenetic location: 7q21.2.
Variant type: single nucleotide variant.
Coding change: c.7700A>T on transcript NM_005751.5 (MANE Select); coding-DNA position 7700, A replaced by T.
Protein change: p.Tyr2567Phe; replaces tyrosine 2567 with phenylalanine.
Molecular consequence: missense variant.
Genome position (GRCh38, 1-based): chr7:92,079,833, A>T. VCF-style: chr7-92079833-A-T. GRCh37 (hg19) VCF-style: chr7-91709147-A-T.
Other names: c.2345A>T, p.Tyr782Phe (NM_001379277.1); c.7676A>T, p.Tyr2559Phe (NM_147185.3); short protein forms Y782F, Y2567F, Y2559F.
Identifiers: ClinVar variation 1760223 (VCV001760223.6), dbSNP rs375743146, ClinGen allele CA4337330.

ClinVar aggregate classification (germline): Uncertain significance. Review status: criteria provided, multiple submitters, no conflicts (2 of 4 stars). 2 submissions from 2 submitters: Uncertain significance (2). Last evaluated 2025-03-31.

Conditions:
Long QT syndrome (LQTS). Identifiers: MedGen C0023976, MeSH D008133, MONDO:0002442. Disease mechanism: loss of function. Inheritance: Various modes of inheritance.
Cardiovascular phenotype. Identifiers: MedGen CN230736.

Allele frequency attached by ClinVar (database versions not stated): gnomAD 0.00001; TOPMed 0.00002; ESP Exome Variant Server 0.00008.
gnomAD v4.1: 61 of 1,614,038 alleles (0.0038%); highest among the groups gnomAD compares: Non-Finnish European, 0.0049%; no homozygotes.

Submissions (2):

Ambry Genetics
Classification: Uncertain significance for Cardiovascular phenotype. Last evaluated: 2025-03-31. Review status: criteria provided, single submitter. Criteria: Ambry Variant Classification Scheme 2023. Collection method: clinical testing. Allele origin: germline.
Comment: The p.Y2567F variant (also known as c.7700A>T), located in coding exon 31 of the AKAP9 gene, results from an A to T substitution at nucleotide position 7700. The tyrosine at codon 2567 is replaced by phenylalanine, an amino acid with highly similar properties. This amino acid position is conserved. In addition, this alteration is predicted to be tolerated by in silico analysis. Since supporting evidence is limited at this time, the clinical significance of this alteration remains unclear.

Labcorp Genetics (formerly Invitae), Labcorp
Classification: Uncertain significance for Long QT syndrome. Last evaluated: 2024-11-12. Review status: criteria provided, single submitter. Criteria: Invitae Variant Classification Sherloc (09022015). Collection method: clinical testing. Allele origin: germline.
Comment: This sequence change replaces tyrosine, which is neutral and polar, with phenylalanine, which is neutral and non-polar, at codon 2567 of the AKAP9 protein (p.Tyr2567Phe). This variant is present in population databases (rs375743146, gnomAD 0.004%). This variant has not been reported in the literature in individuals affected with AKAP9-related conditions. ClinVar contains an entry for this variant (Variation ID: 1760223). An algorithm developed to predict the effect of missense changes on protein structure and function (PolyPhen-2) suggests that this variant is likely to be disruptive. In summary, the available evidence is currently insufficient to determine the role of this variant in disease. Therefore, it has been classified as a Variant of Uncertain Significance.